The following is an entry in ClinVar:

NM_001040108.2(MLH3):c.3759A>G (p.Lys1253=)

Gene: MLH3 (mutL homolog 3; minus strand). Cytogenetic location: 14q24.3.
Variant type: single nucleotide variant.
Coding change: c.3759A>G on transcript NM_001040108.2 (MANE Select); coding-DNA position 3759, A replaced by G.
Protein change: p.Lys1253=; no amino-acid change (lysine 1253 retained).
Molecular consequence: synonymous variant.
Genome position (GRCh38, 1-based): chr14:75,032,136, T>C on the plus strand (A>G on the coding strand, the complement: MLH3 is on the minus strand). VCF-style: chr14-75032136-T-C. GRCh37 (hg19) VCF-style: chr14-75498839-T-C.
Other names: c.3687A>G, p.Lys1229= (NM_014381.3).
Identifiers: ClinVar variation 697422 (VCV000697422.14), dbSNP rs779804105, ClinGen allele CA7275332.

ClinVar aggregate classification (germline): Benign/Likely benign. Review status: criteria provided, multiple submitters, no conflicts (2 of 4 stars). 3 submissions from 3 submitters: Benign (1); Likely benign (2). Last evaluated 2026-05-06.

Conditions:
Colorectal cancer, hereditary nonpolyposis, type 7. Identifiers: Orphanet 144, MedGen C1858380, MONDO:0013725, OMIM 614385.

Allele frequency attached by ClinVar (database versions not stated): ExAC 0.00001; gnomAD exomes below 0.00001.
gnomAD v4.1: 3 of 1,613,958 alleles (0.00019%); highest among the groups gnomAD compares: Middle Eastern, 0.016%; no homozygotes.

Submissions (3):

Myriad Genetics, Inc.
Classification: Benign for Colorectal cancer, hereditary nonpolyposis, type 7. Last evaluated: 2026-05-06. Review status: criteria provided, single submitter. Criteria: Myriad Autosomal Dominant, Autosomal Recessive and X-Linked Classification Criteria (2023). Collection method: clinical testing. Allele origin: unknown.
Comment: This variant is considered benign. This variant is a silent/synonymous amino acid change and it is not expected to impact splicing.

Labcorp Genetics (formerly Invitae), Labcorp
Classification: Likely benign for Colorectal cancer, hereditary nonpolyposis, type 7. Last evaluated: 2024-04-29. Review status: criteria provided, single submitter. Criteria: Invitae Variant Classification Sherloc (09022015). Collection method: clinical testing. Allele origin: germline.

Ambry Genetics
Classification: Likely benign. Last evaluated: 2022-07-28. Review status: criteria provided, single submitter. Criteria: Ambry Variant Classification Scheme 2023. Collection method: clinical testing. Allele origin: germline.